The following is an entry in ClinVar:

NM_006231.4(POLE):c.3582+12G>A

Gene: POLE (DNA polymerase epsilon, catalytic subunit; minus strand). Cytogenetic location: 12q24.33.
Variant type: single nucleotide variant.
Coding change: c.3582+12G>A on transcript NM_006231.4 (MANE Select); 12 bases into the intron after coding-DNA position 3582, G replaced by A.
Molecular consequence: intron variant.
Genome position (GRCh38, 1-based): chr12:132,657,124, C>T on the plus strand (G>A on the coding strand, the complement: POLE is on the minus strand). VCF-style: chr12-132657124-C-T. GRCh37 (hg19) VCF-style: chr12-133233710-C-T.
Identifiers: ClinVar variation 511363 (VCV000511363.8), dbSNP rs1252638342, ClinGen allele CA608514201.
Genomic context (GRCh38, chr12:132,657,124, plus strand): 5'-CAGCGCAAGAAGCCTGGAGTCCTGTGTGTCACAAGGATCCCGCCCAGCCCAGCCTTGGGG[C>T]CCCACCGTCACCTGTCTCCTGCCCTCCAGGGTGAAGAGCTCACTGATCTTCTTCTGCTTG-3'

ClinVar aggregate classification (germline): Likely benign. Review status: criteria provided, multiple submitters, no conflicts (2 of 4 stars). 2 submissions from 2 submitters: Likely benign (2). Last evaluated 2026-01-20.

Allele frequency attached by ClinVar (database versions not stated): TOPMed below 0.00001; gnomAD 0.00001.

Submissions (2):

Labcorp Genetics (formerly Invitae), Labcorp
Classification: Likely benign. Last evaluated: 2026-01-20. Review status: criteria provided, single submitter. Criteria: Invitae Variant Classification Sherloc (09022015). Collection method: clinical testing. Allele origin: germline.

GeneDx
Classification: Likely benign. Last evaluated: 2017-08-07. Review status: criteria provided, single submitter. Criteria: GeneDx Variant Classification (06012015). Collection method: clinical testing. Allele origin: germline. Affected: yes.
Comment: This variant is considered likely benign or benign based on one or more of the following criteria: it is a conservative change, it occurs at a poorly conserved position in the protein, it is predicted to be benign by multiple in silico algorithms, and/or has population frequency not consistent with disease.